The following is an entry in ClinVar:

NM_006031.6(PCNT):c.4980A>G (p.Glu1660=)

Gene: PCNT (pericentrin; plus strand). Cytogenetic location: 21q22.3.
Variant type: single nucleotide variant.
Coding change: c.4980A>G on transcript NM_006031.6 (MANE Select); coding-DNA position 4980, A replaced by G.
Protein change: p.Glu1660=; no amino-acid change (glutamic acid 1660 retained).
Molecular consequence: synonymous variant.
Genome position (GRCh38, 1-based): chr21:46,402,348, A>G. VCF-style: chr21-46402348-A-G. GRCh37 (hg19) VCF-style: chr21-47822262-A-G.
Other names: c.4626A>G, p.Glu1542= (NM_001315529.2); c.4980A>G (NM_006031.5).
Identifiers: ClinVar variation 2994575 (VCV002994575.4), dbSNP rs752025247, ClinGen allele CA10079857.
Genomic context (GRCh38, chr21:46,402,348, plus strand): 5'-TTAGATGACTTTTAATACTTTTCTTCTTTTGTTTTAATGAAAGGTTTTGGACTTAAAAGA[A>G]CAGCTAGAAAAGATGAAAGGTGACTTAGAAAGTAAAAATGAAGAAATACTACATCTGAAC-3'
Protein context (NP_006022.3, residues 1650-1670): RRESEVLDLK[Glu1660=]QLEKMKGDLE

ClinVar aggregate classification (germline): Likely benign. Review status: criteria provided, multiple submitters, no conflicts (2 of 4 stars). 2 submissions from 2 submitters: Likely benign (2). Last evaluated 2026-02-17.

Conditions:
PCNT-related disorder. Also called: PCNT-related condition.

Allele frequency attached by ClinVar (database versions not stated): ExAC 0.00001; gnomAD 0.00001; gnomAD exomes 0.00002.
gnomAD v4.1: 25 of 1,607,100 alleles (0.0016%); highest among the groups gnomAD compares: Non-Finnish European, 0.002%; no homozygotes.

Submissions (2):

PreventionGenetics, part of Exact Sciences
Classification: Likely benign for PCNT-related condition. Last evaluated: 2026-02-17. Review status: criteria provided, single submitter. Criteria: ACMG Guidelines, 2015. Collection method: clinical testing. Allele origin: germline.
Comment: This variant is classified as likely benign based on ACMG/AMP sequence variant interpretation guidelines (Richards et al. 2015 PMID: 25741868, with internal and published modifications).

Labcorp Genetics (formerly Invitae), Labcorp
Classification: Likely benign. Last evaluated: 2023-11-10. Review status: criteria provided, single submitter. Criteria: Invitae Variant Classification Sherloc (09022015). Collection method: clinical testing. Allele origin: germline.